The following is an entry in ClinVar:

ClinVar aggregate classification (germline): Pathogenic (1 of 4 stars; one submission).

Conditions:
Refsum disease, classic. Also called: HEREDOPATHIA ATACTICA POLYNEURITIFORMIS; HMSN IV; PHYTANIC ACID OXIDASE DEFICIENCY; PHYH-Related Refsum Disease. Identifiers: Orphanet 773, MedGen C5780941, MONDO:1060256, OMIM 266500. Disease mechanism: loss of function.

Submission:

Myriad Genetics, Inc.
Classification: Pathogenic for Refsum disease, classic. Last evaluated: 2023-12-12. Review status: criteria provided, single submitter. Criteria: Myriad Autosomal Dominant, Autosomal Recessive and X-Linked Classification Criteria (2023). Collection method: clinical testing. Allele origin: unknown.
Comment: NM_006214.3(PHYH):c.481_484delAAAC(K161Lfs*56) is expected to be pathogenic in the context of Refsum disease, PHYH-related. This variant is predicted to lead to an abnormal or absent protein product due to the creation of a premature termination codon in PHYH, a gene where loss-of-function variants are known to be pathogenic. Please note: this variant was assessed in the context of healthy population screening.

NM_006214.4(PHYH):c.481_484del (p.Lys161fs)

Gene: PHYH (phytanoyl-CoA 2-hydroxylase; minus strand). Cytogenetic location: 10p13.
Variant type: Microsatellite.
Coding change: c.481_484del on transcript NM_006214.4 (MANE Select); coding-DNA positions 481 to 484, 4 bases deleted (AAAC; older notation c.481_484delAAAC).
Protein change: p.Lys161fs; shifts the reading frame from lysine 161.
Molecular consequence: frameshift variant. On other transcripts: intron variant (1).
Genome position (GRCh38, 1-based): chr10:13,291,843-13,291,846, GTTT deleted on the plus strand (AAAC on the coding strand, the reverse complement: PHYH is on the minus strand); deleting any 4 consecutive bases within chr10:13,291,843-13,291,850 gives the same sequence; the c. name uses the placement nearest the transcript's 3' end. VCF-style (leftmost placement, unchanged base first): chr10-13291842-GGTTT-G. GRCh37 (hg19) VCF-style: chr10-13333842-GGTTT-G.
Other names: c.181_184del, p.Lys61fs (NM_001037537.2, NM_001323080.2, NM_001323084.2); c.481_484del, p.Lys161fs (NM_001323082.2); c.414+2582_414+2585del (NM_001323083.2); short protein forms K161fs, K61fs.
Identifiers: ClinVar variation 5012566 (VCV005012566.1).
Genomic context (GRCh38, chr10:13,291,842, plus strand): 5'-CTTACACATTTTAATGAAACCATTTTTTTTTCTTCTCCCTTACAATTACCAGAATCTGGA[GGTTT>G]GTTTATCAACATTGTGTGCATGGCCATAATATTAGGTCCAGTGAAGCACTCCACATATTT-3'